The following is an entry in ClinVar:

NM_000038.6(APC):c.6512G>C (p.Gly2171Ala)

Gene: APC (APC regulator of Wnt signaling pathway; plus strand). Cytogenetic location: 5q22.2.
Variant type: single nucleotide variant.
Coding change: c.6512G>C on transcript NM_000038.6 (MANE Select); coding-DNA position 6512, G replaced by C.
Protein change: p.Gly2171Ala; replaces glycine 2171 with alanine.
Molecular consequence: missense variant. On other transcripts: non-coding transcript variant (2).
Genome position (GRCh38, 1-based): chr5:112,842,106, G>C. VCF-style: chr5-112842106-G-C. GRCh37 (hg19) VCF-style: chr5-112177803-G-C.
Other names: c.6512G>C, p.Gly2171Ala (NM_001127510.3, NM_001354895.2, NM_001407450.1); c.6458G>C, p.Gly2153Ala (NM_001127511.3); c.6566G>C, p.Gly2189Ala (NM_001354896.2, NM_001407447.1, NM_001407448.1 and 1 more transcripts); c.6542G>C, p.Gly2181Ala (NM_001354897.2); c.6437G>C, p.Gly2146Ala (NM_001354898.2); c.6428G>C, p.Gly2143Ala (NM_001354899.2); c.6389G>C, p.Gly2130Ala (NM_001354900.2); c.6335G>C, p.Gly2112Ala (NM_001354901.2, NM_001407453.1); and 11 more; short protein forms G1888A, G2011A, G2042A, G2045A, G2164A, G2181A, G2199A, G2080A.
Identifiers: ClinVar variation 2819551 (VCV002819551.3), dbSNP rs748745776, ClinGen allele CA16035577.
Genomic context (GRCh38, chr5:112,842,106, plus strand): 5'-CACCTGATCAAGAAGAAAAACCCTTTACAAGTAATAAAGGCCCACGAATTCTAAAACCAG[G>C]GGAGAAAAGTACATTGGAAACTAAAAAGATAGAATCTGAAAGTAAAGGAATCAAAGGAGG-3'
Protein context (NP_000029.2, residues 2161-2181): SNKGPRILKP[Gly2171Ala]EKSTLETKKI

ClinVar aggregate classification (germline): Uncertain significance (1 of 4 stars; one submission).

Conditions:
Familial adenomatous polyposis 1 (FAP1). Also called: FAMILIAL ADENOMATOUS POLYPOSIS 1, ATTENUATED; POLYPOSIS, ADENOMATOUS INTESTINAL. Identifiers: MedGen C2713442, MONDO:0021056, OMIM 175100. Disease mechanism: loss of function.

Submission:

Labcorp Genetics (formerly Invitae), Labcorp
Classification: Uncertain significance for Familial adenomatous polyposis 1. Last evaluated: 2022-12-08. Review status: criteria provided, single submitter. Criteria: Invitae Variant Classification Sherloc (09022015). Collection method: clinical testing. Allele origin: germline.
Comment: This sequence change replaces glycine, which is neutral and non-polar, with alanine, which is neutral and non-polar, at codon 2171 of the APC protein (p.Gly2171Ala). This variant is not present in population databases (gnomAD no frequency). This variant has not been reported in the literature in individuals affected with APC-related conditions. Advanced modeling of protein sequence and biophysical properties (such as structural, functional, and spatial information, amino acid conservation, physicochemical variation, residue mobility, and thermodynamic stability) performed at Invitae indicates that this missense variant is not expected to disrupt APC protein function. In summary, the available evidence is currently insufficient to determine the role of this variant in disease. Therefore, it has been classified as a Variant of Uncertain Significance.